The following is an entry in ClinVar:

ClinVar aggregate classification (germline): Uncertain significance (1 of 4 stars; one submission).

Allele frequency attached by ClinVar (database versions not stated): gnomAD exomes 0.00001; TOPMed 0.00001; gnomAD 0.00001; ExAC 0.00002.
gnomAD v4.1: 8 of 1,611,030 alleles (0.0005%); highest among the groups gnomAD compares: South Asian, 0.0044%; no homozygotes.

Submission:

Labcorp Genetics (formerly Invitae), Labcorp
Classification: Uncertain significance. Last evaluated: 2025-08-05. Review status: criteria provided, single submitter. Criteria: Invitae Variant Classification Sherloc (09022015). Collection method: clinical testing. Allele origin: germline.
Comment: This sequence change replaces serine, which is neutral and polar, with cysteine, which is neutral and slightly polar, at codon 472 of the NUP133 protein (p.Ser472Cys). This variant is present in population databases (rs768310952, gnomAD 0.002%). This variant has not been reported in the literature in individuals affected with NUP133-related conditions. ClinVar contains an entry for this variant (Variation ID: 2004687). An algorithm developed to predict the effect of missense changes on protein structure and function (PolyPhen-2) suggests that this variant is likely to be disruptive. In summary, the available evidence is currently insufficient to determine the role of this variant in disease. Therefore, it has been classified as a Variant of Uncertain Significance.

NM_018230.3(NUP133):c.1415C>G (p.Ser472Cys)

Gene: NUP133 (nucleoporin 133; minus strand). Cytogenetic location: 1q42.13.
Variant type: single nucleotide variant.
Coding change: c.1415C>G on transcript NM_018230.3 (MANE Select); coding-DNA position 1415, C replaced by G.
Protein change: p.Ser472Cys; replaces serine 472 with cysteine.
Molecular consequence: missense variant.
Genome position (GRCh38, 1-based): chr1:229,486,456, G>C on the plus strand (C>G on the coding strand, the complement: NUP133 is on the minus strand). VCF-style: chr1-229486456-G-C. GRCh37 (hg19) VCF-style: chr1-229622203-G-C.
Other names: short protein forms S472C.
Identifiers: ClinVar variation 2004687 (VCV002004687.4), dbSNP rs768310952, ClinGen allele CA1443536.